The following is an entry in ClinVar:

NM_003073.5(SMARCB1):c.*6C>T

Gene: SMARCB1 (SWI/SNF related BAF chromatin remodeling complex subunit B1; plus strand). Cytogenetic location: 22q11.23.
Variant type: single nucleotide variant.
Coding change: c.*6C>T on transcript NM_003073.5 (MANE Select); 6 bases downstream of the stop codon, C replaced by T.
Molecular consequence: 3 prime UTR variant.
Genome position (GRCh38, 1-based): chr22:23,834,186, C>T. VCF-style: chr22-23834186-C-T. GRCh37 (hg19) VCF-style: chr22-24176373-C-T.
Other names: c.*6C>T (NM_001007468.3, NM_001317946.2, NM_001362877.2).
Identifiers: ClinVar variation 2582146 (VCV002582146.1), dbSNP rs1289161415, ClinGen allele CA1024502944.

ClinVar aggregate classification (germline): Uncertain significance (1 of 4 stars; one submission).

Allele frequency attached by ClinVar (database versions not stated): TOPMed below 0.00001; gnomAD 0.00001.
gnomAD v4.1: 3 of 1,587,332 alleles (0.00019%); highest among the groups gnomAD compares: Admixed American, 0.0017%; no homozygotes.

Submission:

GeneDx
Classification: Uncertain significance. Last evaluated: 2023-03-29. Review status: criteria provided, single submitter. Criteria: GeneDx Variant Classification Process June 2021. Collection method: clinical testing. Allele origin: germline. Affected: yes.
Comment: Not observed at significant frequency in large population cohorts (gnomAD); Nucleotide substitution has no predicted effect on splicing and is not conserved across species; Has not been previously published as pathogenic or benign to our knowledge